The following is an entry in ClinVar:

NM_205836.3(FBXO38):c.3185A>G (p.Tyr1062Cys)

Gene: FBXO38 (F-box protein 38; plus strand). Cytogenetic location: 5q32.
Variant type: single nucleotide variant.
Coding change: c.3185A>G on transcript NM_205836.3 (MANE Select); coding-DNA position 3185, A replaced by G.
Protein change: p.Tyr1062Cys; replaces tyrosine 1062 with cysteine.
Molecular consequence: missense variant.
Genome position (GRCh38, 1-based): chr5:148,440,438, A>G. VCF-style: chr5-148440438-A-G. GRCh37 (hg19) VCF-style: chr5-147820001-A-G.
Other names: c.2450A>G, p.Tyr817Cys (NM_001271723.2); c.2960A>G, p.Tyr987Cys (NM_030793.5); short protein forms Y1062C, Y817C, Y987C.
Identifiers: ClinVar variation 2182817 (VCV002182817.5), dbSNP rs1408402817, ClinGen allele CA361661033.
Genomic context (GRCh38, chr5:148,440,438, plus strand): 5'-ATTTCCAGTTTTGTAATTTTTACTTAATTTTTCCTGTTGCTTCCAGAGAGCTCATTAAAT[A>G]TGAATTCTTCCCTGAAGCCACTCGAAGTGAAGAAGACTTAAAGAAATACCCCAAGTACCC-3'
Protein context (NP_995308.1, residues 1052-1072): IANINQELIK[Tyr1062Cys]EFFPEATRSE

ClinVar aggregate classification (germline): Uncertain significance. Review status: criteria provided, multiple submitters, no conflicts (2 of 4 stars). 2 submissions from 2 submitters: Uncertain significance (2). Last evaluated 2022-05-03.

Conditions:
Distal hereditary motor neuropathy type 2. Identifiers: Orphanet 139525, MedGen C3711384, MeSH C580044, MONDO:0015352.

Allele frequency attached by ClinVar (database versions not stated): gnomAD 0.00001; gnomAD exomes 0.00001; TOPMed 0.00001.
gnomAD v4.1: 11 of 1,610,096 alleles (0.00068%); highest among the groups gnomAD compares: Non-Finnish European, 0.00093%; no homozygotes.

Submissions (2):

Labcorp Genetics (formerly Invitae), Labcorp
Classification: Uncertain significance for Distal hereditary motor neuropathy type 2. Last evaluated: 2022-05-03. Review status: criteria provided, single submitter. Criteria: Invitae Variant Classification Sherloc (09022015). Collection method: clinical testing. Allele origin: germline.
Comment: In summary, the available evidence is currently insufficient to determine the role of this variant in disease. Therefore, it has been classified as a Variant of Uncertain Significance. Algorithms developed to predict the effect of missense changes on protein structure and function are either unavailable or do not agree on the potential impact of this missense change (SIFT: "Deleterious"; PolyPhen-2: "Probably Damaging"; Align-GVGD: "Class C0"). This variant has not been reported in the literature in individuals affected with FBXO38-related conditions. This variant is present in population databases (no rsID available, gnomAD 0.0009%). This sequence change replaces tyrosine, which is neutral and polar, with cysteine, which is neutral and slightly polar, at codon 987 of the FBXO38 protein (p.Tyr987Cys).

Blueprint Genetics
Classification: Uncertain significance. Last evaluated: 2020-02-03. Review status: criteria provided, single submitter. Criteria: ACMG Guidelines, 2015. Collection method: clinical testing. Allele origin: germline.